The following is an entry in ClinVar:

NM_001693.4(ATP6V1B2):c.732C>T (p.Phe244=)

Gene: ATP6V1B2 (ATPase H+ transporting V1 subunit B2; plus strand). Cytogenetic location: 8p21.3.
Variant type: single nucleotide variant.
Coding change: c.732C>T on transcript NM_001693.4 (MANE Select); coding-DNA position 732, C replaced by T.
Protein change: p.Phe244=; no amino-acid change (phenylalanine 244 retained).
Molecular consequence: synonymous variant.
Genome position (GRCh38, 1-based): chr8:20,212,128, C>T. VCF-style: chr8-20212128-C-T. GRCh37 (hg19) VCF-style: chr8-20069639-C-T.
Identifiers: ClinVar variation 786555 (VCV000786555.30), dbSNP rs17092160, ClinGen allele CA4656957.

ClinVar aggregate classification (germline): Benign/Likely benign. Review status: criteria provided, multiple submitters, no conflicts (2 of 4 stars). 4 submissions from 4 submitters: Benign (2); Likely benign (2). Last evaluated 2026-02-01.

Allele frequency attached by ClinVar (database versions not stated): gnomAD exomes 0.00034 and 0.00090; ExAC 0.00108; 1000 Genomes Project 30x 0.00187; 1000 Genomes Project 0.00220; gnomAD 0.00356 and 0.00392; TOPMed 0.00410; ESP Exome Variant Server 0.00415.
gnomAD v4.1: 1,047 of 1,613,580 alleles (0.065%); highest among the groups gnomAD compares: African/African-American, 1.3%; 6 homozygotes.

Submissions (4):

CeGaT Center for Human Genetics Tuebingen
Classification: Likely benign. Last evaluated: 2026-02-01. Review status: criteria provided, single submitter. Criteria: CeGaT Center For Human Genetics Tuebingen Variant Classification Criteria Version 2. Collection method: clinical testing. Allele origin: germline. Affected: yes. Observed: 2 variant alleles.
Comment: ATP6V1B2: BP4, BP7, BS1

Blueprint Genetics
Classification: Likely benign. Last evaluated: 2024-10-10. Review status: criteria provided, single submitter. Criteria: ACMG Guidelines, 2015. Collection method: clinical testing. Allele origin: germline.

Labcorp Genetics (formerly Invitae), Labcorp
Classification: Benign. Last evaluated: 2019-12-31. Review status: criteria provided, single submitter. Criteria: Invitae Variant Classification Sherloc (09022015). Collection method: clinical testing. Allele origin: germline.

Breakthrough Genomics
Classification: Benign. Review status: criteria provided, single submitter. Criteria: ACMG Guidelines, 2015. Collection method: not provided. Allele origin: germline. Inheritance: Autosomal dominant inheritance. Affected: yes.